The following is an entry in ClinVar:

ClinVar aggregate classification (germline): Uncertain significance (1 of 4 stars; one submission).

Allele frequency attached by ClinVar (database versions not stated): gnomAD exomes below 0.00001.
gnomAD v4.1: 4 of 1,613,510 alleles (0.00025%); highest among the groups gnomAD compares: East Asian, 0.0067%; no homozygotes.

Submission:

Ambry Genetics
Classification: Uncertain significance. Last evaluated: 2022-05-01. Review status: criteria provided, single submitter. Criteria: Ambry Variant Classification Scheme 2023. Collection method: clinical testing. Allele origin: germline.
Comment: The p.D851H variant (also known as c.2551G>C), located in coding exon 4 of the ALPK2 gene, results from a G to C substitution at nucleotide position 2551. The aspartic acid at codon 851 is replaced by histidine, an amino acid with similar properties. This amino acid position is conserved. In addition, this alteration is predicted to be tolerated by in silico analysis. Since supporting evidence is limited at this time, the clinical significance of this alteration remains unclear.

NM_052947.4(ALPK2):c.2551G>C (p.Asp851His)

Gene: ALPK2 (alpha kinase 2; minus strand). Cytogenetic location: 18q21.31.
Variant type: single nucleotide variant.
Coding change: c.2551G>C on transcript NM_052947.4 (MANE Select); coding-DNA position 2551, G replaced by C.
Protein change: p.Asp851His; replaces aspartic acid 851 with histidine.
Molecular consequence: missense variant.
Genome position (GRCh38, 1-based): chr18:58,537,636, C>G on the plus strand (G>C on the coding strand, the complement: ALPK2 is on the minus strand). VCF-style: chr18-58537636-C-G. GRCh37 (hg19) VCF-style: chr18-56204868-C-G.
Other names: short protein forms D851H.
Identifiers: ClinVar variation 1792961 (VCV001792961.2), dbSNP rs1348503783, ClinGen allele CA402570289.